The following is an entry in ClinVar:

NM_001378328.1(CELSR1):c.6540C>T (p.Asp2180=)

Gene: CELSR1 (cadherin EGF LAG seven-pass G-type receptor 1; minus strand). Cytogenetic location: 22q13.31.
Variant type: single nucleotide variant.
Coding change: c.6540C>T on transcript NM_001378328.1 (MANE Select); coding-DNA position 6540, C replaced by T.
Protein change: p.Asp2180=; no amino-acid change (aspartic acid 2180 retained).
Molecular consequence: synonymous variant.
Genome position (GRCh38, 1-based): chr22:46,389,305, G>A on the plus strand (C>T on the coding strand, the complement: CELSR1 is on the minus strand). VCF-style: chr22-46389305-G-A. GRCh37 (hg19) VCF-style: chr22-46785202-G-A.
Other names: c.6540C>T, p.Asp2180= (NM_014246.4).
Identifiers: ClinVar variation 3042454 (VCV003042454.3), dbSNP rs140653895, ClinGen allele CA10293755.

ClinVar aggregate classification (germline): Likely benign. Review status: criteria provided, single submitter (1 of 4 stars). 2 submissions from 2 submitters: Likely benign (1). 1 of the submissions does not count toward it. Last evaluated 2024-01-18.

Conditions:
CELSR1-related disorder. Also called: CELSR1-related condition.

Allele frequency attached by ClinVar (database versions not stated): ExAC 0.00083; 1000 Genomes Project 0.00160; 1000 Genomes Project 30x 0.00187; gnomAD 0.00256; TOPMed 0.00285; ESP Exome Variant Server 0.00315.
gnomAD v4.1: 840 of 1,606,882 alleles (0.052%); highest among the groups gnomAD compares: African/African-American, 0.92%; 4 homozygotes.

Submissions (2):

Blueprint Genetics
Classification: Likely benign. Last evaluated: 2024-01-18. Review status: criteria provided, single submitter. Criteria: ACMG Guidelines, 2015. Collection method: clinical testing. Allele origin: germline.

PreventionGenetics, part of Exact Sciences
Classification: Benign for CELSR1-related condition. Last evaluated: 2019-06-25. Review status: no assertion criteria provided. Collection method: clinical testing. Allele origin: germline. Not counted in ClinVar's aggregate classification.
Comment: This variant is classified as benign based on ACMG/AMP sequence variant interpretation guidelines (Richards et al. 2015 PMID: 25741868, with internal and published modifications).